The following is an entry in ClinVar:

NM_001353345.2(SETD1B):c.2030C>T (p.Pro677Leu)

Gene: SETD1B (SET domain containing 1B, histone lysine methyltransferase; plus strand). Cytogenetic location: 12q24.31.
Variant type: single nucleotide variant.
Coding change: c.2030C>T on transcript NM_001353345.2 (MANE Select); coding-DNA position 2030, C replaced by T.
Protein change: p.Pro677Leu; replaces proline 677 with leucine.
Molecular consequence: missense variant.
Genome position (GRCh38, 1-based): chr12:121,814,245, C>T. VCF-style: chr12-121814245-C-T. GRCh37 (hg19) VCF-style: chr12-122252151-C-T.
Other names: short protein forms P677L.
Identifiers: ClinVar variation 4538782 (VCV004538782.1).

ClinVar aggregate classification (germline): Uncertain significance (1 of 4 stars; one submission).

Submission:

GeneDx
Classification: Uncertain significance. Last evaluated: 2025-06-18. Review status: criteria provided, single submitter. Criteria: GeneDx Variant Classification Process June 2021. Collection method: clinical testing. Allele origin: germline. Affected: yes.
Comment: Not observed at significant frequency in large population cohorts (gnomAD); In silico analysis suggests that this missense variant does not alter protein structure/function; Has not been previously published as pathogenic or benign to our knowledge